The following is an entry in ClinVar:

NM_001203.3(BMPR1B):c.293A>G (p.Glu98Gly)

Gene: BMPR1B (bone morphogenetic protein receptor type 1B; plus strand). Cytogenetic location: 4q22.3.
Variant type: single nucleotide variant.
Coding change: c.293A>G on transcript NM_001203.3 (MANE Select); coding-DNA position 293, A replaced by G.
Protein change: p.Glu98Gly; replaces glutamic acid 98 with glycine.
Molecular consequence: missense variant.
Genome position (GRCh38, 1-based): chr4:95,115,731, A>G. VCF-style: chr4-95115731-A-G. GRCh37 (hg19) VCF-style: chr4-96036882-A-G.
Other names: c.293A>G, p.Glu98Gly (NM_001256792.2, NM_001256794.1); c.383A>G, p.Glu128Gly (NM_001256793.2); short protein forms E128G, E98G.
Identifiers: ClinVar variation 4794130 (VCV004794130.1).
Genomic context (GRCh38, chr4:95,115,731, plus strand): 5'-GGGTTCGATTATAGGACACTCCCATTCCTCATCAAAGAAGATCAATTGAATGCTGCACAG[A>G]AAGGAACGAATGTAATAAAGACCTACACCCTACACTGCCTCCATTGAAAAACAGAGGTAA-3'
Protein context (NP_001194.1, residues 88-108): HQRRSIECCT[Glu98Gly]RNECNKDLHP

ClinVar aggregate classification (germline): Uncertain significance (1 of 4 stars; one submission).

Conditions:
Acromesomelic dysplasia 3 (AMD3). Also called: CHONDRODYSPLASIA, ACROMESOMELIC, WITH OR WITHOUT GENITAL ANOMALIES; Acromesomelic dysplasia, Demirhan type. Identifiers: MedGen C4225404, MONDO:0012274, OMIM 609441.
Type A2 brachydactyly (BDA2). Also called: Brachymesophalangy type 2; MOHR-WRIEDT TYPE BRACHYDACTYLY; BRACHYMESOPHALANGY II. Identifiers: Orphanet 93396, MedGen C1832702, MONDO:0007216, OMIM 112600, HP:0009372.

gnomAD v4.1: 5 of 1,613,888 alleles (0.00031%); highest among the groups gnomAD compares: South Asian, 0.0022%; no homozygotes.

Submission:

Labcorp Genetics (formerly Invitae), Labcorp
Classification: Uncertain significance for Type A2 brachydactyly; Acromesomelic dysplasia 3. Last evaluated: 2025-04-11. Review status: criteria provided, single submitter. Criteria: Invitae Variant Classification Sherloc (09022015). Collection method: clinical testing. Allele origin: germline.
Comment: This sequence change replaces glutamic acid, which is acidic and polar, with glycine, which is neutral and non-polar, at codon 98 of the BMPR1B protein (p.Glu98Gly). This variant is not present in population databases (gnomAD no frequency). This variant has not been reported in the literature in individuals affected with BMPR1B-related conditions. Invitae Evidence Modeling of protein sequence and biophysical properties (such as structural, functional, and spatial information, amino acid conservation, physicochemical variation, residue mobility, and thermodynamic stability) indicates that this missense variant is not expected to disrupt BMPR1B protein function with a negative predictive value of 80%. In summary, the available evidence is currently insufficient to determine the role of this variant in disease. Therefore, it has been classified as a Variant of Uncertain Significance.